The following is an entry in ClinVar:

NM_016169.4(SUFU):c.970C>T (p.Leu324Phe)

Gene: SUFU (SUFU negative regulator of hedgehog signaling; plus strand). Cytogenetic location: 10q24.32.
Variant type: single nucleotide variant.
Coding change: c.970C>T on transcript NM_016169.4 (MANE Select); coding-DNA position 970, C replaced by T.
Protein change: p.Leu324Phe; replaces leucine 324 with phenylalanine.
Molecular consequence: missense variant.
Genome position (GRCh38, 1-based): chr10:102,599,492, C>T. VCF-style: chr10-102599492-C-T. GRCh37 (hg19) VCF-style: chr10-104359249-C-T.
Other names: c.970C>T, p.Leu324Phe (NM_001178133.2); short protein forms L324F.
Identifiers: ClinVar variation 946281 (VCV000946281.11), dbSNP rs2063495996, ClinGen allele CA377911112.

ClinVar aggregate classification (germline): Uncertain significance. Review status: criteria provided, multiple submitters, no conflicts (2 of 4 stars). 2 submissions from 2 submitters: Uncertain significance (2). Last evaluated 2026-07-07.

Conditions:
Gorlin syndrome. Also called: Nevoid Basal Cell Carcinoma Syndrome; Basal cell nevus syndrome. Identifiers: Orphanet 377, MedGen C0004779, MONDO:0007187.
Medulloblastoma (MDB). Also called: Medulloblastoma, somatic; MEDULLOBLASTOMA PREDISPOSITION SYNDROME. Identifiers: Orphanet 616, MedGen C0025149, MeSH D008527, MONDO:0007959, OMIM 155255, HP:0002885.
Hereditary cancer-predisposing syndrome. Also called: Neoplastic Syndromes, Hereditary; Hereditary Cancer Syndrome; Tumor predisposition; Hereditary neoplastic syndrome. Identifiers: Orphanet 140162, MedGen C0027672, MeSH D009386, MONDO:0015356.

Submissions (2):

Ambry Genetics
Classification: Uncertain significance for Hereditary cancer-predisposing syndrome. Last evaluated: 2026-07-07. Review status: criteria provided, single submitter. Criteria: Ambry Variant Classification Scheme 2023. Collection method: clinical testing. Allele origin: germline.
Comment: The p.L324F variant (also known as c.970C>T), located in coding exon 8 of the SUFU gene, results from a C to T substitution at nucleotide position 970. The leucine at codon 324 is replaced by phenylalanine, an amino acid with highly similar properties. This amino acid position is conserved. In addition, this alteration is predicted to be tolerated by in silico analysis. Based on the available evidence, the clinical significance of this variant remains unclear.

Labcorp Genetics (formerly Invitae), Labcorp
Classification: Uncertain significance for Gorlin syndrome; Medulloblastoma. Last evaluated: 2019-04-29. Review status: criteria provided, single submitter. Criteria: Invitae Variant Classification Sherloc (09022015). Collection method: clinical testing. Allele origin: germline.
Comment: In summary, the available evidence is currently insufficient to determine the role of this variant in disease. Therefore, it has been classified as a Variant of Uncertain Significance. Algorithms developed to predict the effect of missense changes on protein structure and function are either unavailable or do not agree on the potential impact of this missense change (SIFT: "Tolerated"; PolyPhen-2: "Possibly Damaging"; Align-GVGD: "Class C0"). This variant has not been reported in the literature in individuals with SUFU-related conditions. This variant is not present in population databases (ExAC no frequency). This sequence change replaces leucine with phenylalanine at codon 324 of the SUFU protein (p.Leu324Phe). The leucine residue is highly conserved and there is a small physicochemical difference between leucine and phenylalanine.